The following is an entry in ClinVar:

NM_001378452.1(ITPR1):c.141C>T (p.Asn47=)

Gene: ITPR1 (inositol 1,4,5-trisphosphate receptor type 1; plus strand). Cytogenetic location: 3p26.1.
Variant type: single nucleotide variant.
Coding change: c.141C>T on transcript NM_001378452.1 (MANE Select); coding-DNA position 141, C replaced by T.
Protein change: p.Asn47=; no amino-acid change (asparagine 47 retained).
Molecular consequence: synonymous variant.
Genome position (GRCh38, 1-based): chr3:4,521,072, C>T. VCF-style: chr3-4521072-C-T. GRCh37 (hg19) VCF-style: chr3-4562756-C-T.
Other names: c.141C>T, p.Asn47= (NM_001099952.4, NM_001168272.2, NM_002222.7).
Identifiers: ClinVar variation 586039 (VCV000586039.10), dbSNP rs370939479, ClinGen allele CA2230806.

ClinVar aggregate classification (germline): Benign/Likely benign. Review status: criteria provided, multiple submitters, no conflicts (2 of 4 stars). 3 submissions from 3 submitters: Benign (1); Likely benign (2). Last evaluated 2026-01-24.

Conditions:
Autosomal dominant cerebellar ataxia. Also called: Spinocerebellar Ataxia, Dominant. Identifiers: Orphanet 99, MedGen C4087347, MONDO:0020380.

Allele frequency attached by ClinVar (database versions not stated): ExAC 0.00004; gnomAD exomes 0.00006; gnomAD 0.00028 and 0.00031; TOPMed 0.00032; ESP Exome Variant Server 0.00042.
gnomAD v4.1: 72 of 1,613,408 alleles (0.0045%); highest among the groups gnomAD compares: African/African-American, 0.08%; no homozygotes.

Submissions (3):

Labcorp Genetics (formerly Invitae), Labcorp
Classification: Likely benign. Last evaluated: 2026-01-24. Review status: criteria provided, single submitter. Criteria: Invitae Variant Classification Sherloc (09022015). Collection method: clinical testing. Allele origin: germline.

Athena Diagnostics
Classification: Benign. Last evaluated: 2018-01-29. Review status: criteria provided, single submitter. Criteria: Athena Diagnostics Criteria. Collection method: clinical testing. Allele origin: germline.

Illumina Laboratory Services, Illumina
Classification: Likely benign for Spinocerebellar Ataxia, Dominant. Last evaluated: 2018-01-13. Review status: criteria provided, single submitter. Criteria: ICSL Variant Classification Criteria 13 December 2019. Collection method: clinical testing. Allele origin: germline.
Comment: This variant was observed in the ICSL laboratory as part of a predisposition screen in an ostensibly healthy population. It had not been previously curated by ICSL or reported in the Human Gene Mutation Database (HGMD: prior to June 1st, 2018), and was therefore a candidate for classification through an automated scoring system. Utilizing variant allele frequency, disease prevalence and penetrance estimates, and inheritance mode, an automated score was calculated to assess if this variant is too frequent to cause the disease. Based on the score and internal cut-off values, a variant classified as likely benign is not then subjected to further curation. The score for this variant resulted in a classification of likely benign for this disease.